The following is an entry in ClinVar:

ClinVar aggregate classification (germline): Likely benign. Review status: criteria provided, multiple submitters, no conflicts (2 of 4 stars). 3 submissions from 3 submitters: Likely benign (2). 1 of the submissions does not count toward it. Last evaluated 2026-05-01.

Conditions:
Kabuki syndrome. Also called: Kabuki make-up syndrome; NIIKAWA-KUROKI SYNDROME. Identifiers: Orphanet 2322, MedGen C0796004, MONDO:0016512.
KMT2D-related disorder. Also called: KMT2D-Related Disorders.

Allele frequency attached by ClinVar (database versions not stated): gnomAD 0.00003 and 0.00004; ExAC 0.00006; TOPMed 0.00008; gnomAD exomes 0.00011.
gnomAD v4.1: 43 of 1,611,772 alleles (0.0027%); highest among the groups gnomAD compares: Admixed American, 0.047%; no homozygotes.

Submissions (3):

CeGaT Center for Human Genetics Tuebingen
Classification: Likely benign. Last evaluated: 2026-05-01. Review status: criteria provided, single submitter. Criteria: CeGaT Center For Human Genetics Tuebingen Variant Classification Criteria Version 2. Collection method: clinical testing. Allele origin: germline. Affected: yes. Observed: 2 variant alleles.
Comment: KMT2D: BP4

Labcorp Genetics (formerly Invitae), Labcorp
Classification: Likely benign for Kabuki syndrome. Last evaluated: 2025-07-21. Review status: criteria provided, single submitter. Criteria: Invitae Variant Classification Sherloc (09022015). Collection method: clinical testing. Allele origin: germline.

PreventionGenetics, part of Exact Sciences
Classification: Likely benign for KMT2D-related condition. Last evaluated: 2023-02-13. Review status: no assertion criteria provided. Collection method: clinical testing. Allele origin: germline. Not counted in ClinVar's aggregate classification.
Comment: This variant is classified as likely benign based on ACMG/AMP sequence variant interpretation guidelines (Richards et al. 2015 PMID: 25741868, with internal and published modifications).

NM_003482.4(KMT2D):c.8162G>A (p.Gly2721Asp)

Gene: KMT2D (lysine methyltransferase 2D; minus strand). Cytogenetic location: 12q13.12.
Variant type: single nucleotide variant.
Coding change: c.8162G>A on transcript NM_003482.4 (MANE Select); coding-DNA position 8162, G replaced by A.
Protein change: p.Gly2721Asp; replaces glycine 2721 with aspartic acid.
Molecular consequence: missense variant.
Genome position (GRCh38, 1-based): chr12:49,039,502, C>T on the plus strand (G>A on the coding strand, the complement: KMT2D is on the minus strand). VCF-style: chr12-49039502-C-T. GRCh37 (hg19) VCF-style: chr12-49433285-C-T.
Other names: short protein forms G2721D.
Identifiers: ClinVar variation 583125 (VCV000583125.15), dbSNP rs758773506, ClinGen allele CA6546903.